The following is an entry in ClinVar:

GRCh38/hg38 16p11.2-11.1(chr16:35247701-35492994)x3

Gene: LINC01566 (long intergenic non-protein coding RNA 1566; plus strand). Cytogenetic location: 16p11.2-11.1.
Variant type: copy number gain.
Change: copy number 3 (three copies instead of two) of chr16:35,247,701-35,492,994 (245.3 kb, GRCh38 coordinates, 1-based), cytogenetic band 16p11.2-11.1.
Identifiers: ClinVar variation 146744 (VCV000146744.2).

ClinVar aggregate classification (germline): Benign/Likely benign (0 of 4 stars; one submission).

Submission:

ISCA site 4
Classification: Benign/Likely benign. Last evaluated: 2012-09-21. Review status: no assertion criteria provided. Collection method: clinical testing. Allele origin: unknown. Affected: yes. Observed: 72 variant alleles. Clinical features observed: Hemihypertrophy (HP:0001528), Tetralogy of Fallot (HP:0001636), Developmental delay AND/OR other significant developmental or morphological phenotypes, Overgrowth (HP:0001548), Short stature (HP:0004322), Abnormality of the head (HP:0000234), Abnormality of vision (HP:0000504), Genu recurvatum (HP:0002816), Macrocephaly (HP:0000256), Lower limb hypertonia (HP:0006895), Umbilical hernia (HP:0001537), Global developmental delay (HP:0001263), and 41 more.
Comment: Likely benign (10), Benign (62)

Copy number variation identified through the course of routine clinical cytogenomic testing in postnatal populations, with clinical assertions as classified by the original submitter.